The following is an entry in ClinVar:

ClinVar aggregate classification (germline): Uncertain significance (1 of 4 stars; one submission).

Submission:

Ambry Genetics
Classification: Uncertain significance. Last evaluated: 2025-09-22. Review status: criteria provided, single submitter. Criteria: Ambry Variant Classification Scheme 2023. Collection method: clinical testing. Allele origin: germline.
Comment: The p.T587A variant (also known as c.1759A>G), located in coding exon 13 of the RECQL gene, results from an A to G substitution at nucleotide position 1759. The threonine at codon 587 is replaced by alanine, an amino acid with similar properties. This amino acid position is conserved. In addition, this alteration is predicted to be tolerated by in silico analysis. Based on the available evidence, the clinical significance of this variant remains unclear.

NM_002907.4(RECQL):c.1759A>G (p.Thr587Ala)

Genes: PYROXD1 (pyridine nucleotide-disulphide oxidoreductase domain 1; plus strand), RECQL (RecQ like helicase; minus strand). Cytogenetic location: 12p12.1.
Variant type: single nucleotide variant.
Coding change: c.1759A>G on transcript NM_002907.4 (MANE Select); coding-DNA position 1759, A replaced by G.
Protein change: p.Thr587Ala; replaces threonine 587 with alanine.
Molecular consequence: missense variant. On other transcripts: 3 prime UTR variant (3).
Genome position (GRCh38, 1-based): chr12:21,471,007, T>C on the plus strand (A>G on the coding strand, the complement: RECQL is on the minus strand). VCF-style: chr12-21471007-T-C. GRCh37 (hg19) VCF-style: chr12-21623941-T-C.
Other names: c.1759A>G, p.Thr587Ala (NM_032941.3); c.*2253T>C (NM_001350912.2, NM_001350913.2, NM_024854.5); short protein forms T587A.
Identifiers: ClinVar variation 4576937 (VCV004576937.1).